The following is an entry in ClinVar:

ClinVar aggregate classification (germline): Likely pathogenic (1 of 4 stars; one submission).

Conditions:
COL2A1-related disorder. Also called: COL2A1-related condition; COL2A1-related disorders.

Submission:

PreventionGenetics, part of Exact Sciences
Classification: Likely pathogenic for COL2A1-related condition. Last evaluated: 2025-02-13. Review status: criteria provided, single submitter. Criteria: ACMG Guidelines, 2015. Collection method: clinical testing. Allele origin: germline.
Comment: The COL2A1 c.1826G>A variant is predicted to result in the amino acid substitution p.Gly609Asp. To our knowledge, this variant has not been reported in the literature or in a large population database (gnomAD), indicating this variant is rare. A different substitution affecting the same amino acid has been reported in one individual with spondyloperipheral dysplasia (Table S1, Hu et al. 2018. PubMed ID: 29095814). This variant affects a Gly residue of the conserved triple helical region from amino acids 201-1214. Glycine substitutions in the triple helical region of COL2A1are expected to be pathogenic (Barat-Houari et al. 2016. PubMed ID: 26626311).This variant is interpreted as likely pathogenic.

NM_001844.5(COL2A1):c.1826G>A (p.Gly609Asp)

Gene: COL2A1 (collagen type II alpha 1 chain; minus strand). Cytogenetic location: 12q13.11.
Variant type: single nucleotide variant.
Coding change: c.1826G>A on transcript NM_001844.5 (MANE Select); coding-DNA position 1826, G replaced by A.
Protein change: p.Gly609Asp; replaces glycine 609 with aspartic acid.
Molecular consequence: missense variant.
Genome position (GRCh38, 1-based): chr12:47,985,002, C>T on the plus strand (G>A on the coding strand, the complement: COL2A1 is on the minus strand). VCF-style: chr12-47985002-C-T. GRCh37 (hg19) VCF-style: chr12-48378785-C-T.
Other names: c.1619G>A, p.Gly540Asp (NM_033150.3); short protein forms G609D, G540D.
Identifiers: ClinVar variation 4999783 (VCV004999783.1).
Genomic context (GRCh38, chr12:47,985,002, plus strand): 5'-GGGAGGTAGGTAGCACCACATGGAAGGAAATAGAAGAGCAAATTATTACTTACGTTGGCA[C>T]CTTTGGGGCCAGGGAAACCCATGACACCAGGCTGCCCACGAGCCCCCTGAGGACCTGGAG-3'
Protein context (NP_001835.3, residues 599-619): PGVMGFPGPK[Gly609Asp]ANGEPGKAGE